The following is an entry in ClinVar:

NM_177438.3(DICER1):c.1510-16G>A

Gene: DICER1 (dicer 1, ribonuclease III; minus strand). Cytogenetic location: 14q32.13.
Variant type: single nucleotide variant.
Coding change: c.1510-16G>A on transcript NM_177438.3 (MANE Select); 16 bases into the intron before coding-DNA position 1510, G replaced by A.
Molecular consequence: intron variant.
Genome position (GRCh38, 1-based): chr14:95,116,711, C>T on the plus strand (G>A on the coding strand, the complement: DICER1 is on the minus strand). VCF-style: chr14-95116711-C-T. GRCh37 (hg19) VCF-style: chr14-95583048-C-T.
Other names: c.1510-16G>A (NM_001291628.2, NM_030621.4, NM_001395677.1 and 12 more transcripts); c.1105-16G>A (NM_001395690.1, NM_001395687.1, NM_001395689.1 and 3 more transcripts); c.1228-16G>A (NM_001395686.1); c.943-16G>A (NM_001395691.1); c.-59-131G>A (NM_001395697.1).
Identifiers: ClinVar variation 4869747 (VCV004869747.1).

ClinVar aggregate classification (germline): Likely pathogenic (1 of 4 stars; one submission).

Conditions:
Hereditary cancer-predisposing syndrome. Also called: Neoplastic Syndromes, Hereditary; Tumor predisposition; Hereditary Cancer Syndrome; Hereditary neoplastic syndrome. Identifiers: Orphanet 140162, MedGen C0027672, MeSH D009386, MONDO:0015356.

gnomAD v4.1: 1 of 1,612,096 alleles (0.000062%); highest among the groups gnomAD compares: Non-Finnish European, 0.000085%; no homozygotes.

Submission:

Ambry Genetics
Classification: Likely pathogenic for Hereditary cancer-predisposing syndrome. Last evaluated: 2026-04-23. Review status: criteria provided, single submitter. Criteria: Ambry Variant Classification Scheme 2023. Collection method: clinical testing. Allele origin: germline.
Comment: The c.1510-16G>A intronic variant results from a G to A substitution 16 nucleotides upstream from coding exon 9 in the DICER1 gene. This variant was reported in individual(s) with features consistent with DICER1-related tumor predisposition (Ambry internal data, Tian R et al. Hum Mutat, 2025 Apr;2025:8884636). This nucleotide position is highly conserved through primates. In silico splice site analysis predicts that this alteration may weaken the native splice acceptor site and will result in the creation or strengthening of a novel splice acceptor site. RNA studies have demonstrated that this variant results in abnormal splicing in the set of samples tested (Ambry internal data, Tian R et al. Hum Mutat, 2025 Apr;2025:8884636). This variant is considered to be rare based on population cohorts in the Genome Aggregation Database (gnomAD). Based on the majority of available evidence to date, this variant is likely to be pathogenic.

Literature cited by the submitters: PubMed 40226310.